The following is an entry in ClinVar:

NM_000455.5(STK11):c.115C>A (p.Arg39Ser)

Gene: STK11 (serine/threonine kinase 11; plus strand). Cytogenetic location: 19p13.3.
Variant type: single nucleotide variant.
Coding change: c.115C>A on transcript NM_000455.5 (MANE Select); coding-DNA position 115, C replaced by A.
Protein change: p.Arg39Ser; replaces arginine 39 with serine.
Molecular consequence: missense variant.
Genome position (GRCh38, 1-based): chr19:1,207,028, C>A. VCF-style: chr19-1207028-C-A. GRCh37 (hg19) VCF-style: chr19-1207027-C-A.
Other names: short protein forms R39S.
Identifiers: ClinVar variation 1331199 (VCV001331199.4), dbSNP rs876658779, ClinGen allele CA402943910.

ClinVar aggregate classification (germline): Uncertain significance. Review status: criteria provided, multiple submitters, no conflicts (2 of 4 stars). 2 submissions from 2 submitters: Uncertain significance (2). Last evaluated 2024-10-10.

Conditions:
Peutz-Jeghers syndrome (PJS). Also called: POLYPOSIS, HAMARTOMATOUS INTESTINAL; POLYPS-AND-SPOTS SYNDROME; Peutz-Jeghers polyposis; Periorificial lentiginosis syndrome. Identifiers: Orphanet 2869, MedGen C0031269, MeSH D010580, MONDO:0008280, OMIM 175200.

Submissions (2):

Labcorp Genetics (formerly Invitae), Labcorp
Classification: Uncertain significance for Peutz-Jeghers syndrome. Last evaluated: 2024-10-10. Review status: criteria provided, single submitter. Criteria: Invitae Variant Classification Sherloc (09022015). Collection method: clinical testing. Allele origin: germline.
Comment: This sequence change replaces arginine, which is basic and polar, with serine, which is neutral and polar, at codon 39 of the STK11 protein (p.Arg39Ser). This variant is not present in population databases (gnomAD no frequency). This variant has not been reported in the literature in individuals affected with STK11-related conditions. ClinVar contains an entry for this variant (Variation ID: 1331199). Invitae Evidence Modeling of protein sequence and biophysical properties (such as structural, functional, and spatial information, amino acid conservation, physicochemical variation, residue mobility, and thermodynamic stability) has been performed for this missense variant. However, the output from this modeling did not meet the statistical confidence thresholds required to predict the impact of this variant on STK11 protein function. In summary, the available evidence is currently insufficient to determine the role of this variant in disease. Therefore, it has been classified as a Variant of Uncertain Significance.

GeneDx
Classification: Uncertain significance. Last evaluated: 2021-06-30. Review status: criteria provided, single submitter. Criteria: GeneDx Variant Classification Process June 2021. Collection method: clinical testing. Allele origin: germline. Affected: yes.
Comment: Not observed at significant frequency in large population cohorts (Lek 2016); In silico analysis supports that this missense variant does not alter protein structure/function; Has not been previously published as pathogenic or benign to our knowledge; This variant is associated with the following publications: (PMID: 27535533)